The following is an entry in ClinVar:

NM_000545.8(HNF1A):c.474_475delinsCT (p.Lys158_Arg159delinsAsnTrp)

Gene: HNF1A (HNF1 homeobox A; plus strand). Cytogenetic location: 12q24.31.
Variant type: Indel.
Coding change: c.474_475delinsCT on transcript NM_000545.8 (MANE Select); coding-DNA positions 474 to 475, GC replaced by CT.
Protein change: p.Lys158_Arg159delinsAsnTrp.
Molecular consequence: missense variant.
Genome position (GRCh38, 1-based): chr12:120,988,980-120,988,981, GC replaced by CT. VCF-style: chr12-120988980-GC-CT. GRCh37 (hg19) VCF-style: chr12-121426783-GC-CT.
Other names: NM_001306179.2:c.474_475delinsCT; c.474_475delinsCT, p.Lys158_Arg159delinsAsnTrp (NM_001306179.2, NM_001406915.1).
Identifiers: ClinVar variation 3906940 (VCV003906940.1).

ClinVar aggregate classification (germline): Likely pathogenic (3 of 4 stars; one submission).

Conditions:
Monogenic diabetes. Identifiers: Orphanet 183625, MedGen C3888631, MONDO:0015967.

Submission:

ClinGen Monogenic Diabetes Variant Curation Expert Panel
Classification: Likely pathogenic for Monogenic diabetes. Last evaluated: 2025-06-27. Review status: reviewed by expert panel. Criteria: ClinGen Diabetes ACMG Specifications HNF1A V2.1.0. Collection method: curation. Allele origin: germline. Inheritance: Autosomal dominant inheritance.
Comment: The c.474_475delinsCT variant in the HNF1 homeobox A gene, HNF1A, is an inframe indel that results in two amino acid substitutions: lysine to asparagine at codon 158 and arginine to tryptophan at codon 159 (p.Lys158_Arg159delinsAsnTrp)) of NM_000545.8. This variant is absent from gnomAD v2.1.1 and v4.1.0 (PM2_Supporting). The p.Lys158_Arg159delinsAsnTrp variant was identified in one individual with a clinical history suggestive of HNF1A-MODY (MODY probability calculator result >50%); however, HNF4A was not tested (internal lab contributor), so PP4 does not apply and this number of cases does not meet the threshold for PS4_Moderate. However, these individual missense variants that result in the same amino acid changes, c.474G>T (p.Lys158Asn) and c.475C>T (p.Arg159Trp), have been classified as likely pathogenic and pathogenic, respectively, by the ClinGen MDEP (PS1). In summary, c.474_475delinsCT meets the criteria to be classified as likely pathogenic for monogenic diabetes. ACMG/AMP criteria applied, as specified by the ClinGen MDEP VCEP (specification version 2.1.0, approved 8/11/2023): PS1, PM1, PM2_Supporting.